The following is an entry in ClinVar:

ClinVar aggregate classification (germline): Uncertain significance. Review status: criteria provided, multiple submitters, no conflicts (2 of 4 stars). 2 submissions from 2 submitters: Uncertain significance (2). Last evaluated 2025-06-07.

Allele frequency attached by ClinVar (database versions not stated): ExAC 0.00001; TOPMed 0.00001; gnomAD 0.00003.
gnomAD v4.1: 35 of 1,614,034 alleles (0.0022%); highest among the groups gnomAD compares: Non-Finnish European, 0.0026%; no homozygotes.

Submissions (2):

Ambry Genetics
Classification: Uncertain significance. Last evaluated: 2025-06-07. Review status: criteria provided, single submitter. Criteria: Ambry Variant Classification Scheme 2023. Collection method: clinical testing. Allele origin: germline.

Labcorp Genetics (formerly Invitae), Labcorp
Classification: Uncertain significance. Last evaluated: 2023-09-01. Review status: criteria provided, single submitter. Criteria: Invitae Variant Classification Sherloc (09022015). Collection method: clinical testing. Allele origin: germline.
Comment: In summary, the available evidence is currently insufficient to determine the role of this variant in disease. Therefore, it has been classified as a Variant of Uncertain Significance. Advanced modeling of protein sequence and biophysical properties (such as structural, functional, and spatial information, amino acid conservation, physicochemical variation, residue mobility, and thermodynamic stability) performed at Invitae indicates that this missense variant is expected to disrupt FAT2 protein function. This variant has not been reported in the literature in individuals affected with FAT2-related conditions. This variant is present in population databases (rs755323725, gnomAD 0.004%). This sequence change replaces arginine, which is basic and polar, with histidine, which is basic and polar, at codon 380 of the FAT2 protein (p.Arg380His).

NM_001447.3(FAT2):c.1139G>A (p.Arg380His)

Gene: FAT2 (FAT atypical cadherin 2; minus strand). Cytogenetic location: 5q33.1.
Variant type: single nucleotide variant.
Coding change: c.1139G>A on transcript NM_001447.3 (MANE Select); coding-DNA position 1139, G replaced by A.
Protein change: p.Arg380His; replaces arginine 380 with histidine.
Molecular consequence: missense variant.
Genome position (GRCh38, 1-based): chr5:151,567,793, C>T on the plus strand (G>A on the coding strand, the complement: FAT2 is on the minus strand). VCF-style: chr5-151567793-C-T. GRCh37 (hg19) VCF-style: chr5-150947354-C-T.
Other names: c.1139G>A (NM_001447.2); short protein forms R380H.
Identifiers: ClinVar variation 3009694 (VCV003009694.4), dbSNP rs755323725, ClinGen allele CA3522309.